The following is an entry in ClinVar:

ClinVar aggregate classification (germline): Uncertain significance (1 of 4 stars; one submission).

Conditions:
Cardiovascular phenotype. Identifiers: MedGen CN230736.

Submission:

Ambry Genetics
Classification: Uncertain significance for Cardiovascular phenotype. Last evaluated: 2022-03-14. Review status: criteria provided, single submitter. Criteria: Ambry Variant Classification Scheme 2023. Collection method: clinical testing. Allele origin: germline.
Comment: The p.L98* variant (also known as c.293T>A), located in coding exon 3 of the NEXN gene, results from a T to A substitution at nucleotide position 293. This changes the amino acid from a leucine to a stop codon within coding exon 3. This alteration is expected to result in loss of function by premature protein truncation or nonsense-mediated mRNA decay. However, loss of function of NEXN has not been clearly established as a mechanism of disease. Since supporting evidence is limited at this time, the clinical significance of this alteration remains unclear.

NM_144573.4(NEXN):c.293T>A (p.Leu98Ter)

Genes: NEXN (nexilin F-actin binding protein; plus strand), LOC126805765 (BRD4-independent group 4 enhancer GRCh37_chr1:78383688-78384887; plus strand). Cytogenetic location: 1p31.1.
Variant type: single nucleotide variant.
Coding change: c.293T>A on transcript NM_144573.4 (MANE Select); coding-DNA position 293, T replaced by A.
Protein change: p.Leu98Ter; replaces leucine 98 with a stop codon.
Molecular consequence: nonsense.
Genome position (GRCh38, 1-based): chr1:77,918,033, T>A. VCF-style: chr1-77918033-T-A. GRCh37 (hg19) VCF-style: chr1-78383718-T-A.
Other names: c.101T>A, p.Leu34Ter (NM_001172309.2); short protein forms L34*, L98*.
Identifiers: ClinVar variation 1797904 (VCV001797904.2), dbSNP rs2526786702, ClinGen allele CA340886388.
Genomic context (GRCh38, chr1:77,918,033, plus strand): 5'-TTGCTTCTGATGATGAGGAAGATGTATCTTCTAAAGTAGAAAAGGCTTATGTTCCAAAAT[T>A]AACAGGTAAGAAGCTTGAGGGGTAAATAGTAAATTAAATTGCAAAATAGAAACATAACCA-3'